The following is an entry in ClinVar:

ClinVar aggregate classification (germline): Uncertain significance (1 of 4 stars; one submission).

Conditions:
Charcot-Marie-Tooth disease axonal type 2U. Also called: CHARCOT-MARIE-TOOTH NEUROPATHY, TYPE 2U; CHARCOT-MARIE-TOOTH DISEASE, AXONAL, AUTOSOMAL DOMINANT, TYPE 2U. Identifiers: Orphanet 397735, MedGen C4084821, MONDO:0014566, OMIM 616280.
Severe early-onset pulmonary alveolar proteinosis due to MARS deficiency. Also called: PULMONARY ALVEOLAR PROTEINOSIS, REUNION ISLAND; Interstitial lung and liver disease. Identifiers: Orphanet 440427, MedGen C4225400, MONDO:0014206, OMIM 615486.

Submission:

Labcorp Genetics (formerly Invitae), Labcorp
Classification: Uncertain significance for Charcot-Marie-Tooth disease axonal type 2U; Severe early-onset pulmonary alveolar proteinosis due to MARS deficiency. Last evaluated: 2018-12-10. Review status: criteria provided, single submitter. Criteria: Invitae Variant Classification Sherloc (09022015). Collection method: clinical testing. Allele origin: germline.
Comment: In summary, the available evidence is currently insufficient to determine the role of this variant in disease. Therefore, it has been classified as a Variant of Uncertain Significance. The current clinical and genetic evidence is not sufficient to establish whether loss-of-function variants in MARS cause disease. Algorithms developed to predict the effect of sequence changes on RNA splicing suggest that this variant may disrupt the consensus splice site, but this prediction has not been confirmed by published transcriptional studies. This variant has not been reported in the literature in individuals with MARS-related conditions. This variant is not present in population databases (ExAC no frequency). This sequence change affects an acceptor splice site in intron 14 of the MARS gene. It is expected to disrupt RNA splicing and likely results in an absent or disrupted protein product.

NM_004990.4(MARS1):c.1754-1G>C

Genes: MARS1 (methionyl-tRNA synthetase 1; plus strand), MIR6758 (microRNA 6758; plus strand). Cytogenetic location: 12q13.3.
Variant type: single nucleotide variant.
Coding change: c.1754-1G>C on transcript NM_004990.4 (MANE Select); the canonical splice acceptor site of the intron before coding-DNA position 1754, G replaced by C.
Molecular consequence: splice acceptor variant. On other transcripts: non-coding transcript variant (1).
Genome position (GRCh38, 1-based): chr12:57,512,750, G>C. VCF-style: chr12-57512750-G-C. GRCh37 (hg19) VCF-style: chr12-57906533-G-C.
Identifiers: ClinVar variation 656732 (VCV000656732.7), dbSNP rs1594833474, ClinGen allele CA385462743.